The following is an entry in ClinVar:

ClinVar aggregate classification (germline): Benign/Likely benign. Review status: criteria provided, multiple submitters, no conflicts (2 of 4 stars). 11 submissions from 11 submitters: Benign (4); Likely benign (7). Last evaluated 2026-08-01.

Conditions:
Hereditary cancer-predisposing syndrome. Also called: Tumor predisposition; Neoplastic Syndromes, Hereditary; Hereditary neoplastic syndrome; Hereditary Cancer Syndrome. Identifiers: Orphanet 140162, MedGen C0027672, MeSH D009386, MONDO:0015356.
Retinoblastoma (RB1). Also called: RETINOBLASTOMA, SOMATIC. Identifiers: Orphanet 790, MedGen C0035335, MeSH D012175, MONDO:0008380, OMIM 180200, HP:0009919. Disease mechanism: loss of function. Inheritance: Both sporadic and heritable forms are tested..

Allele frequency attached by ClinVar (database versions not stated): 1000 Genomes Project 30x 0.00016; ExAC 0.00017; gnomAD exomes 0.00017 and 0.00023; 1000 Genomes Project 0.00020; TOPMed 0.00022; ESP Exome Variant Server 0.00023; gnomAD 0.00029 and 0.00030.
gnomAD v4.1: 387 of 1,588,866 alleles (0.024%); highest among the groups gnomAD compares: Admixed American, 0.057%; no homozygotes.

Submissions (11):

CeGaT Center for Human Genetics Tuebingen
Classification: Likely benign. Last evaluated: 2026-08-01. Review status: criteria provided, single submitter. Criteria: CeGaT Center For Human Genetics Tuebingen Variant Classification Criteria Version 2. Collection method: clinical testing. Allele origin: germline. Affected: yes. Observed: 2 variant alleles.
Comment: RB1: BP4

Myriad Genetics, Inc.
Classification: Benign for Retinoblastoma. Last evaluated: 2026-06-24. Review status: criteria provided, single submitter. Criteria: Myriad Autosomal Dominant, Autosomal Recessive and X-Linked Classification Criteria (2023). Collection method: clinical testing. Allele origin: unknown.
Comment: This variant is considered benign. This variant is a silent/synonymous amino acid change and it is not expected to impact splicing.

Labcorp Genetics (formerly Invitae), Labcorp
Classification: Benign for Retinoblastoma. Last evaluated: 2026-02-03. Review status: criteria provided, single submitter. Criteria: Invitae Variant Classification Sherloc (09022015). Collection method: clinical testing. Allele origin: germline.

Blueprint Genetics
Classification: Likely benign. Last evaluated: 2024-10-25. Review status: criteria provided, single submitter. Criteria: ACMG Guidelines, 2015. Collection method: clinical testing. Allele origin: germline.

Molecular Pathology, Peter Maccallum Cancer Centre
Classification: Likely benign for Retinoblastoma. Last evaluated: 2024-06-19. Review status: criteria provided, single submitter. Criteria: ACMG Guidelines, 2015. Collection method: clinical testing. Allele origin: germline. Inheritance: Autosomal dominant inheritance.

All of Us Research Program, National Institutes of Health
Classification: Benign for Retinoblastoma. Last evaluated: 2024-01-03. Review status: criteria provided, single submitter. Criteria: ACMG Guidelines, 2015. Collection method: clinical testing. Allele origin: germline. Inheritance: Autosomal dominant inheritance. Observed: 43 variant alleles, 43 heterozygotes.
Comment: This study involves interpretation of variants in research participants for the purpose of population health screening. Participant phenotype was not available at the time of variant classification. Additional details can be found in publication PMID: 35346344, PMCID: PMC8962531

Color Diagnostics, LLC DBA Color Health
Classification: Benign for Retinoblastoma. Last evaluated: 2022-04-27. Review status: criteria provided, single submitter. Criteria: ACMG Guidelines, 2015. Collection method: clinical testing. Allele origin: germline.

Sema4
Classification: Likely benign for Hereditary cancer-predisposing syndrome. Last evaluated: 2021-04-23. Review status: criteria provided, single submitter. Criteria: Sema4 Curation Guidelines. Collection method: curation. Allele origin: germline.

Illumina Laboratory Services, Illumina
Classification: Likely benign for Retinoblastoma. Last evaluated: 2018-01-13. Review status: criteria provided, single submitter. Criteria: ICSL Variant Classification Criteria 13 December 2019. Collection method: clinical testing. Allele origin: germline.
Comment: This variant was observed in the ICSL laboratory as part of a predisposition screen in an ostensibly healthy population. It had not been previously curated by ICSL or reported in the Human Gene Mutation Database (HGMD: prior to June 1st, 2018), and was therefore a candidate for classification through an automated scoring system. Utilizing variant allele frequency, disease prevalence and penetrance estimates, and inheritance mode, an automated score was calculated to assess if this variant is too frequent to cause the disease. Based on the score and internal cut-off values, a variant classified as likely benign is not then subjected to further curation. The score for this variant resulted in a classification of likely benign for this disease.

GeneDx
Classification: Likely benign. Last evaluated: 2017-03-24. Review status: criteria provided, single submitter. Criteria: GeneDx Variant Classification (06012015). Collection method: clinical testing. Allele origin: germline. Affected: yes.
Comment: This variant is considered likely benign or benign based on one or more of the following criteria: it is a conservative change, it occurs at a poorly conserved position in the protein, it is predicted to be benign by multiple in silico algorithms, and/or has population frequency not consistent with disease.

Ambry Genetics
Classification: Likely benign for Hereditary cancer-predisposing syndrome. Last evaluated: 2017-02-14. Review status: criteria provided, single submitter. Criteria: Ambry Variant Classification Scheme 2023. Collection method: clinical testing. Allele origin: germline.

Literature cited by the submitters: PubMed 23532519 (cited by Sema4 and Ambry Genetics).

NM_000321.3(RB1):c.1140C>T (p.Asn380=)

Gene: RB1 (RB transcriptional corepressor 1; plus strand). Cytogenetic location: 13q14.2.
Variant type: single nucleotide variant.
Coding change: c.1140C>T on transcript NM_000321.3 (MANE Select); coding-DNA position 1140, C replaced by T.
Protein change: p.Asn380=; no amino-acid change (asparagine 380 retained).
Molecular consequence: synonymous variant.
Genome position (GRCh38, 1-based): chr13:48,373,417, C>T. VCF-style: chr13-48373417-C-T. GRCh37 (hg19) VCF-style: chr13-48947553-C-T.
Identifiers: ClinVar variation 312288 (VCV000312288.28), dbSNP rs117865557, ClinGen allele CA027691.
Genomic context (GRCh38, chr13:48,373,417, plus strand): 5'-TTTCTCCCTTCATTGCTTAACACATTTTCCTATTTTTATCCCCTCTAGGACTGTTATGAA[C>T]ACTATCCAACAATTAATGATGATTTTAAATTCAGCAAGTGATCAACCTTCAGAAAATCTG-3'
Protein context (NP_000312.2, residues 370-390): PPHTPVRTVM[Asn380=]TIQQLMMILN